The following is an entry in ClinVar:

ClinVar aggregate classification (germline): Likely pathogenic (1 of 4 stars; one submission).

Conditions:
Joubert syndrome. Also called: Familial aplasia of the vermis; CEREBELLOPARENCHYMAL DISORDER IV; JOUBERT-BOLTSHAUSER SYNDROME. Identifiers: Orphanet 475, MedGen C5979921, MONDO:0018772.
Meckel-Gruber syndrome. Also called: Dysencephalia splachnocystica; DYSENCEPHALIA SPLANCHNOCYSTICA; GRUBER SYNDROME. Identifiers: Orphanet 564, MedGen C0265215, MONDO:0018921.
Nephronophthisis. Also called: Juvenile Nephronophthisis. Identifiers: Orphanet 655, MedGen C0687120, MONDO:0019005, HP:0000090.

Submission:

Labcorp Genetics (formerly Invitae), Labcorp
Classification: Likely pathogenic for Joubert syndrome; Meckel-Gruber syndrome; Nephronophthisis. Last evaluated: 2023-05-20. Review status: criteria provided, single submitter. Criteria: Invitae Variant Classification Sherloc (09022015). Collection method: clinical testing. Allele origin: germline.
Comment: This variant results in the deletion of part of exon 43 (c.5856-1_5856delinsTT) of the CEP290 gene. It is expected to disrupt RNA splicing. Variants that disrupt the donor or acceptor splice site typically lead to a loss of protein function (PMID: 16199547), and loss-of-function variants in CEP290 are known to be pathogenic (PMID: 16909394, 17345604, 20690115). Information on the frequency of this variant in the gnomAD database is not available, as this variant may be reported differently in the database. In summary, the currently available evidence indicates that the variant is pathogenic, but additional data are needed to prove that conclusively. Therefore, this variant has been classified as Likely Pathogenic. ClinVar contains an entry for this variant (Variation ID: 1066360). This variant has not been reported in the literature in individuals affected with CEP290-related conditions.

Literature cited by the submitters: PubMed 16199547; PubMed 16909394; PubMed 17345604; PubMed 20690115.

NM_025114.4(CEP290):c.5856-1_5856delinsTT

Gene: CEP290 (centrosomal protein 290; minus strand). Cytogenetic location: 12q21.32.
Variant type: Indel.
Coding change: c.5856-1_5856delinsTT on transcript NM_025114.4 (MANE Select); the canonical splice acceptor site of the intron before coding-DNA position 5856 through coding-DNA position 5856, GA replaced by TT.
Molecular consequence: splice acceptor variant.
Genome position (GRCh38, 1-based): chr12:88,071,449-88,071,450, TC replaced by AA on the plus strand (GA replaced by TT on the coding strand, the reverse complement: CEP290 is on the minus strand). VCF-style: chr12-88071449-TC-AA. GRCh37 (hg19) VCF-style: chr12-88465226-TC-AA.
Identifiers: ClinVar variation 1066360 (VCV001066360.7), dbSNP rs2136958216, ClinGen allele CA2499221868.